The following is an entry in ClinVar:

NM_000038.6(APC):c.3177A>G (p.Glu1059=)

Gene: APC (APC regulator of Wnt signaling pathway; plus strand). Cytogenetic location: 5q22.2.
Variant type: single nucleotide variant.
Coding change: c.3177A>G on transcript NM_000038.6 (MANE Select); coding-DNA position 3177, A replaced by G.
Protein change: p.Glu1059=; no amino-acid change (glutamic acid 1059 retained).
Molecular consequence: synonymous variant. On other transcripts: non-coding transcript variant (2).
Genome position (GRCh38, 1-based): chr5:112,838,771, A>G. VCF-style: chr5-112838771-A-G. GRCh37 (hg19) VCF-style: chr5-112174468-A-G.
Other names: c.3177A>G, p.Glu1059= (NM_001127510.3, NM_001354895.2, NM_001407450.1); c.3123A>G, p.Glu1041= (NM_001127511.3); c.3231A>G, p.Glu1077= (NM_001354896.2, NM_001407447.1, NM_001407448.1 and 1 more transcripts); c.3207A>G, p.Glu1069= (NM_001354897.2); c.3102A>G, p.Glu1034= (NM_001354898.2); c.3093A>G, p.Glu1031= (NM_001354899.2); c.3054A>G, p.Glu1018= (NM_001354900.2); c.3000A>G, p.Glu1000= (NM_001354901.2, NM_001407453.1); and 11 more.
Identifiers: ClinVar variation 3147999 (VCV003147999.1), dbSNP rs2149886095, ClinGen allele CA445963218.
Genomic context (GRCh38, chr5:112,838,771, plus strand): 5'-AAGGCAAAGTCCTTCACAGAATGAAAGATGGGCAAGACCCAAACACATAATAGAAGATGA[A>G]ATAAAACAAAGTGAGCAAAGACAATCAAGGAATCAAAGTACAACTTATCCTGTTTATACT-3'
Protein context (NP_000029.2, residues 1049-1069): WARPKHIIED[Glu1059=]IKQSEQRQSR

ClinVar aggregate classification (germline): Benign (1 of 4 stars; one submission).

Conditions:
Familial adenomatous polyposis 1 (FAP1). Also called: POLYPOSIS, ADENOMATOUS INTESTINAL; FAMILIAL ADENOMATOUS POLYPOSIS 1, ATTENUATED. Identifiers: MedGen C2713442, MONDO:0021056, OMIM 175100. Disease mechanism: loss of function.

Submission:

Myriad Genetics, Inc.
Classification: Benign for Familial adenomatous polyposis 1. Last evaluated: 2024-03-18. Review status: criteria provided, single submitter. Criteria: Myriad Autosomal Dominant, Autosomal Recessive and X-Linked Classification Criteria (2023). Collection method: clinical testing. Allele origin: unknown.
Comment: This variant is considered benign. This variant is a silent/synonymous amino acid change and it is not expected to impact splicing.